The following is an entry in ClinVar:

ClinVar aggregate classification (germline): Uncertain significance. Review status: criteria provided, multiple submitters, no conflicts (2 of 4 stars). 2 submissions from 2 submitters: Uncertain significance (2). Last evaluated 2022-04-18.

Conditions:
Epilepsy, familial focal, with variable foci 1 (FFEVF1). Also called: DEPDC5-Related Epilepsy. Identifiers: MedGen C4551983, MONDO:0024556, OMIM 604364.
Familial focal epilepsy with variable foci (FPEVF). Identifiers: Orphanet 98820, MedGen C1858477, MONDO:0020310.

Allele frequency attached by ClinVar (database versions not stated): gnomAD 0.00001; TOPMed 0.00002; gnomAD exomes below 0.00001; ExAC 0.00001.
gnomAD v4.1: 8 of 1,613,824 alleles (0.0005%); highest among the groups gnomAD compares: Non-Finnish European, 0.00042%; no homozygotes.

Submissions (2):

GeneDx
Classification: Uncertain significance. Last evaluated: 2022-04-18. Review status: criteria provided, single submitter. Criteria: GeneDx Variant Classification Process June 2021. Collection method: clinical testing. Allele origin: germline. Affected: yes.
Comment: Has not been previously published as pathogenic or benign to our knowledge; Not observed at a significant frequency in large population cohorts (gnomAD); In silico analysis supports that this missense variant has a deleterious effect on protein structure/function

Labcorp Genetics (formerly Invitae), Labcorp
Classification: Uncertain significance for Familial focal epilepsy with variable foci. Last evaluated: 2020-09-13. Review status: criteria provided, single submitter. Criteria: Invitae Variant Classification Sherloc (09022015). Collection method: clinical testing. Allele origin: germline.
Comment: In summary, the available evidence is currently insufficient to determine the role of this variant in disease. Therefore, it has been classified as a Variant of Uncertain Significance. Algorithms developed to predict the effect of missense changes on protein structure and function (SIFT, PolyPhen-2, Align-GVGD) all suggest that this variant is likely to be disruptive, but these predictions have not been confirmed by published functional studies and their clinical significance is uncertain. This variant has not been reported in the literature in individuals with DEPDC5-related disease. This variant is present in population databases (rs764297665, ExAC 0.002%). This sequence change replaces proline with alanine at codon 421 of the DEPDC5 protein (p.Pro421Ala). The proline residue is highly conserved and there is a small physicochemical difference between proline and alanine.

NM_001242896.3(DEPDC5):c.1261C>G (p.Pro421Ala)

Gene: DEPDC5 (DEP domain containing 5, GATOR1 subcomplex subunit; plus strand). Cytogenetic location: 22q12.3.
Variant type: single nucleotide variant.
Coding change: c.1261C>G on transcript NM_001242896.3 (MANE Select); coding-DNA position 1261, C replaced by G.
Protein change: p.Pro421Ala; replaces proline 421 with alanine.
Molecular consequence: missense variant. On other transcripts: non-coding transcript variant (5).
Genome position (GRCh38, 1-based): chr22:31,806,165, C>G. VCF-style: chr22-31806165-C-G. GRCh37 (hg19) VCF-style: chr22-32202151-C-G.
Other names: c.1261C>G, p.Pro421Ala (NM_001007188.4, NM_001136029.4, NM_001242897.2 and 7 more transcripts); c.1177C>G, p.Pro393Ala (NM_001369901.1, NM_001369902.1); short protein forms P421A, P393A.
Identifiers: ClinVar variation 566442 (VCV000566442.14), dbSNP rs764297665, ClinGen allele CA10196295.